The following is an entry in ClinVar:

NM_001330260.2(SCN8A):c.3851del (p.Leu1284fs)

Gene: SCN8A (sodium voltage-gated channel alpha subunit 8; plus strand). Cytogenetic location: 12q13.13.
Variant type: Deletion.
Coding change: c.3851del on transcript NM_001330260.2 (MANE Select); coding-DNA position 3851, one base deleted (T; older notation c.3851delT).
Protein change: p.Leu1284fs; shifts the reading frame from leucine 1284.
Molecular consequence: frameshift variant. On other transcripts: intron variant (2).
Genome position (GRCh38, 1-based): chr12:51,780,680, T deleted. VCF-style (leftmost placement, unchanged base first): chr12-51780679-CT-C. GRCh37 (hg19) VCF-style: chr12-52174463-CT-C.
Other names: c.3851del, p.Leu1284fs (NM_014191.4); c.3820-5862del (NM_001177984.3, NM_001369788.1); short protein forms L1284fs.
Identifiers: ClinVar variation 5040286 (VCV005040286.1).

ClinVar aggregate classification (germline): Pathogenic (1 of 4 stars; one submission).

Submission:

CeGaT Center for Human Genetics Tuebingen
Classification: Pathogenic. Last evaluated: 2026-07-01. Review status: criteria provided, single submitter. Criteria: CeGaT Center For Human Genetics Tuebingen Variant Classification Criteria Version 2. Collection method: clinical testing. Allele origin: germline. Affected: yes. Observed: 1 variant allele.
Comment: SCN8A: PVS1, PM2, PS2:Moderate